The following is an entry in ClinVar:

ClinVar aggregate classification (germline): Uncertain significance. Review status: criteria provided, multiple submitters, no conflicts (2 of 4 stars). 6 submissions from 5 submitters: Uncertain significance (6). Last evaluated 2026-01-16.

Conditions:
Retinitis pigmentosa (RP). Identifiers: Orphanet 791, MedGen C0035334, MeSH D012174, MONDO:0019200, OMIM 268000. Inheritance: Autosomal dominant, autosomal recessive and X linked inheritance.
Oguchi disease. Also called: Oguchi's disease. Identifiers: Orphanet 75382, MedGen C1306122, MONDO:0019152.
SAG-related disorder. Also called: SAG-related condition; SAG-related disorders.
Inborn genetic diseases. Identifiers: MedGen C0950123, MeSH D030342.

Allele frequency attached by ClinVar (database versions not stated): gnomAD exomes 0.00001 and 0.00003; ExAC 0.00009; TOPMed 0.00023; 1000 Genomes Project 0.00060; 1000 Genomes Project 30x 0.00062.
gnomAD v4.1: 32 of 1,605,566 alleles (0.002%); highest among the groups gnomAD compares: African/African-American, 0.036%; no homozygotes.

Submissions (6):

PreventionGenetics, part of Exact Sciences
Classification: Uncertain significance for SAG-related condition. Last evaluated: 2026-01-16. Review status: criteria provided, single submitter. Criteria: ACMG Guidelines, 2015. Collection method: clinical testing. Allele origin: germline.
Comment: The SAG c.269C>G variant is predicted to result in the amino acid substitution p.Ser90Cys. To our knowledge, this variant has not been reported in the literature. This variant is reported in 0.044% of alleles in individuals of African descent in gnomAD. At this time, the clinical significance of this variant is uncertain due to the absence of conclusive functional and genetic evidence.

Labcorp Genetics (formerly Invitae), Labcorp
Classification: Uncertain significance. Last evaluated: 2025-12-03. Review status: criteria provided, single submitter. Criteria: Invitae Variant Classification Sherloc (09022015). Collection method: clinical testing. Allele origin: germline.
Comment: This sequence change replaces serine, which is neutral and polar, with cysteine, which is neutral and slightly polar, at codon 90 of the SAG protein (p.Ser90Cys). This variant is present in population databases (rs531041701, gnomAD 0.04%). This variant has not been reported in the literature in individuals affected with SAG-related conditions. ClinVar contains an entry for this variant (Variation ID: 895287). Invitae Evidence Modeling of protein sequence and biophysical properties (such as structural, functional, and spatial information, amino acid conservation, physicochemical variation, residue mobility, and thermodynamic stability) indicates that this missense variant is not expected to disrupt SAG protein function with a negative predictive value of 80%. In summary, the available evidence is currently insufficient to determine the role of this variant in disease. Therefore, it has been classified as a Variant of Uncertain Significance.

Ambry Genetics
Classification: Uncertain significance for Inborn genetic diseases. Last evaluated: 2025-10-06. Review status: criteria provided, single submitter. Criteria: Ambry Variant Classification Scheme 2023. Collection method: clinical testing. Allele origin: germline.

Blueprint Genetics
Classification: Uncertain significance. Last evaluated: 2022-04-04. Review status: criteria provided, single submitter. Criteria: ACMG Guidelines, 2015. Collection method: clinical testing. Allele origin: germline.

Illumina Laboratory Services, Illumina
Classification: Uncertain significance for Oguchi disease-1. Last evaluated: 2018-01-12. Review status: criteria provided, single submitter. Criteria: ICSL Variant Classification Criteria 13 December 2019. Collection method: clinical testing. Allele origin: germline.

Illumina Laboratory Services, Illumina
Classification: Uncertain significance for Retinitis pigmentosa. Last evaluated: 2018-01-12. Review status: criteria provided, single submitter. Criteria: ICSL Variant Classification Criteria 13 December 2019. Collection method: clinical testing. Allele origin: germline.

NM_000541.5(SAG):c.269C>G (p.Ser90Cys)

Gene: SAG (S-antigen visual arrestin; plus strand). Cytogenetic location: 2q37.1.
Variant type: single nucleotide variant.
Coding change: c.269C>G on transcript NM_000541.5 (MANE Select); coding-DNA position 269, C replaced by G.
Protein change: p.Ser90Cys; replaces serine 90 with cysteine.
Molecular consequence: missense variant.
Genome position (GRCh38, 1-based): chr2:233,320,717, C>G. VCF-style: chr2-233320717-C-G. GRCh37 (hg19) VCF-style: chr2-234229363-C-G.
Other names: short protein forms S90C.
Identifiers: ClinVar variation 895287 (VCV000895287.16), dbSNP rs531041701, ClinGen allele CA2174319.
Genomic context (GRCh38, chr2:233,320,717, plus strand): 5'-GCTATGGCCAAGAGGACATTGACGTGATCGGCTTGACCTTCCGCAGGGACCTGTACTTCT[C>G]CCGGGTCCAGGTGTATCCTCCTGTGGGGGCCGCGAGCACCCCCACAAAACTGCAAGAGAG-3'
Protein context (NP_000532.2, residues 80-100): GLTFRRDLYF[Ser90Cys]RVQVYPPVGA